The following is an entry in ClinVar:

ClinVar aggregate classification (germline): Likely benign (1 of 4 stars; one submission).

Allele frequency attached by ClinVar (database versions not stated): 1000 Genomes Project 30x 0.00062; 1000 Genomes Project 0.00080.
gnomAD v4.1: 5,073 of 1,363,050 alleles (0.37%); highest among the groups gnomAD compares: Non-Finnish European, 0.46%; 12 homozygotes.

Submission:

CeGaT Center for Human Genetics Tuebingen
Classification: Likely benign. Last evaluated: 2026-09-01. Review status: criteria provided, single submitter. Criteria: CeGaT Center For Human Genetics Tuebingen Variant Classification Criteria Version 2. Collection method: clinical testing. Allele origin: germline. Affected: yes. Observed: 5 variant alleles.
Comment: HSPG2: BS2

NM_005529.7(HSPG2):c.575-640C>G

Gene: HSPG2 (heparan sulfate proteoglycan 2; minus strand). Cytogenetic location: 1p36.12.
Variant type: single nucleotide variant.
Coding change: c.575-640C>G on transcript NM_005529.7 (MANE Select); 640 bases into the intron before coding-DNA position 575, C replaced by G.
Molecular consequence: intron variant.
Genome position (GRCh38, 1-based): chr1:21,888,706, G>C on the plus strand (C>G on the coding strand, the complement: HSPG2 is on the minus strand). VCF-style: chr1-21888706-G-C. GRCh37 (hg19) VCF-style: chr1-22215199-G-C.
Other names: c.575-640C>G (NM_001291860.2).
Identifiers: ClinVar variation 2638466 (VCV002638466.24), dbSNP rs202082510, ClinGen allele CA673797.